The following is an entry in ClinVar:

ClinVar aggregate classification (germline): Conflicting classifications of pathogenicity. Review status: criteria provided, conflicting classifications (1 of 4 stars). 3 submissions from 3 submitters: Uncertain significance (2); Likely benign (1). Last evaluated 2025-12-24.

Conditions:
Cardiovascular phenotype. Identifiers: MedGen CN230736.
Cardiomyopathy (CMYO). Also called: Cardiomyopathies. Identifiers: Orphanet 167848, MedGen C0878544, MONDO:0004994, HP:0001638. Inheritance: Various modes of inheritance.

Allele frequency attached by ClinVar (database versions not stated): gnomAD 0.00001; gnomAD exomes 0.00001; TOPMed 0.00002; ExAC 0.00003; ESP Exome Variant Server 0.00017.
gnomAD v4.1: 13 of 1,601,308 alleles (0.00081%); highest among the groups gnomAD compares: Non-Finnish European, 0.0011%; no homozygotes.

Submissions (3):

Women's Health and Genetics/Laboratory Corporation of America, LabCorp
Classification: Uncertain significance. Last evaluated: 2025-12-24. Review status: criteria provided, single submitter. Criteria: LabCorp Variant Classification Summary - May 2015. Collection method: clinical testing. Allele origin: germline.
Comment: Variant summary: TTN NM_133378 c.75783T>G (p.Asn25261Lys), also known as NM_001267550 c.83487T>G (p.Asn27829Lys), results in a non-conservative amino acid change located in the A-band region of the encoded protein sequence. Algorithms developed to predict the effect of missense changes on protein structure and function are either unavailable or do not agree on the potential impact of this missense change. The variant allele was found at a frequency of 8.5e-06 in 235752 control chromosomes. The available data on variant occurrences in the general population are insufficient to allow any conclusion about variant significance. To our knowledge, no occurrence of c.75783T>G in individuals affected with TTN-related conditions and no experimental evidence demonstrating its impact on protein function have been reported. ClinVar contains an entry for this variant (Variation ID: 915683). Based on the evidence outlined above, the variant was classified as uncertain significance.

CHEO Genetics Diagnostic Laboratory, Children's Hospital of Eastern Ontario
Classification: Likely benign for Cardiomyopathy. Last evaluated: 2022-03-11. Review status: criteria provided, single submitter. Criteria: ACMG Guidelines, 2015. Collection method: clinical testing. Allele origin: germline.

Ambry Genetics
Classification: Uncertain significance for Cardiovascular phenotype. Last evaluated: 2020-09-04. Review status: criteria provided, single submitter. Criteria: Ambry Variant Classification Scheme 2023. Collection method: clinical testing. Allele origin: germline.
Comment: The p.N18764K variant (also known as c.56292T>G), located in coding exon 153 of the TTN gene, results from a T to G substitution at nucleotide position 56292. The asparagine at codon 18764 is replaced by lysine, an amino acid with similar properties. This amino acid position is not well conserved in available vertebrate species. In addition, this alteration is predicted to be tolerated by in silico analysis. Since supporting evidence is limited at this time, the clinical significance of this alteration remains unclear.

NM_001267550.2(TTN):c.83487T>G (p.Asn27829Lys)

Genes: TTN (titin; minus strand), TTN-AS1 (TTN antisense RNA 1; plus strand). Cytogenetic location: 2q31.2.
Variant type: single nucleotide variant.
Coding change: c.83487T>G on transcript NM_001267550.2 (MANE Select); coding-DNA position 83487, T replaced by G.
Protein change: p.Asn27829Lys; replaces asparagine 27829 with lysine.
Molecular consequence: missense variant.
Genome position (GRCh38, 1-based): chr2:178,562,645, A>C on the plus strand (T>G on the coding strand, the complement: TTN is on the minus strand). VCF-style: chr2-178562645-A-C. GRCh37 (hg19) VCF-style: chr2-179427372-A-C.
Other names: c.78564T>G, p.Asn26188Lys (NM_001256850.1); c.56292T>G, p.Asn18764Lys (NM_003319.4); c.75783T>G, p.Asn25261Lys (NM_133378.4); c.56667T>G, p.Asn18889Lys (NM_133432.3); c.56868T>G, p.Asn18956Lys (NM_133437.4); short protein forms N18764K, N18889K, N26188K, N25261K, N27829K, N18956K.
Identifiers: ClinVar variation 915683 (VCV000915683.6), dbSNP rs374322635, ClinGen allele CA1988914.